The following is an entry in ClinVar:

ClinVar aggregate classification (germline): Uncertain significance (1 of 4 stars; one submission).

Submission:

GeneDx
Classification: Uncertain significance. Last evaluated: 2026-02-25. Review status: criteria provided, single submitter. Criteria: GeneDx Variant Classification Process June 2021. Collection method: clinical testing. Allele origin: germline.
Comment: Not observed at significant frequency in large population cohorts (gnomAD); In silico analysis supports that this missense variant has a deleterious effect on protein structure/function; Has not been previously published as pathogenic or benign to our knowledge

NM_005321.3(H1-4):c.110G>T (p.Gly37Val)

Gene: H1-4 (H1.4 linker histone, cluster member; plus strand). Cytogenetic location: 6p22.2.
Variant type: single nucleotide variant.
Coding change: c.110G>T on transcript NM_005321.3 (MANE Select); coding-DNA position 110, G replaced by T.
Protein change: p.Gly37Val; replaces glycine 37 with valine.
Molecular consequence: missense variant.
Genome position (GRCh38, 1-based): chr6:26,156,500, G>T. VCF-style: chr6-26156500-G-T. GRCh37 (hg19) VCF-style: chr6-26156728-G-T.
Other names: short protein forms G37V.
Identifiers: ClinVar variation 5009771 (VCV005009771.1).